The following is an entry in ClinVar:

ClinVar aggregate classification (germline): Uncertain significance (1 of 4 stars; one submission).

Conditions:
Glycine encephalopathy. Also called: Nonketotic hyperglycinemia; Non-ketotic hyperglycinemia. Identifiers: Orphanet 407, MedGen C0751748, MONDO:0011612, HP:0008288.

Submission:

Labcorp Genetics (formerly Invitae), Labcorp
Classification: Uncertain significance for Glycine encephalopathy. Last evaluated: 2022-08-16. Review status: criteria provided, single submitter. Criteria: Invitae Variant Classification Sherloc (09022015). Collection method: clinical testing. Allele origin: germline.
Comment: Advanced modeling of protein sequence and biophysical properties (such as structural, functional, and spatial information, amino acid conservation, physicochemical variation, residue mobility, and thermodynamic stability) performed at Invitae indicates that this missense variant is expected to disrupt GLDC protein function. This variant has not been reported in the literature in individuals affected with GLDC-related conditions. This variant is not present in population databases (gnomAD no frequency). This sequence change replaces glutamic acid, which is acidic and polar, with lysine, which is basic and polar, at codon 929 of the GLDC protein (p.Glu929Lys). In summary, the available evidence is currently insufficient to determine the role of this variant in disease. Therefore, it has been classified as a Variant of Uncertain Significance.

NM_000170.3(GLDC):c.2785G>A (p.Glu929Lys)

Gene: GLDC (glycine decarboxylase; minus strand). Cytogenetic location: 9p24.1.
Variant type: single nucleotide variant.
Coding change: c.2785G>A on transcript NM_000170.3 (MANE Select); coding-DNA position 2785, G replaced by A.
Protein change: p.Glu929Lys; replaces glutamic acid 929 with lysine.
Molecular consequence: missense variant.
Genome position (GRCh38, 1-based): chr9:6,536,117, C>T on the plus strand (G>A on the coding strand, the complement: GLDC is on the minus strand). VCF-style: chr9-6536117-C-T. GRCh37 (hg19) VCF-style: chr9-6536117-C-T.
Other names: short protein forms E929K.
Identifiers: ClinVar variation 2095979 (VCV002095979.4), dbSNP rs2489011360, ClinGen allele CA372882591.
Genomic context (GRCh38, chr9:6,536,117, plus strand): 5'-TACGCACCTTCAGCGGATTGACCCTGGGGTCGATGCGGCCCTCCTCAATGTCAGCAATTT[C>T]CTGCCGAATGCTGATCATGGCATCACAGAATCTGTCCAGCTCTGCCTTGTCCTCCGACTC-3'
Protein context (NP_000161.2, residues 919-939): FCDAMISIRQ[Glu929Lys]IADIEEGRID